The following is an entry in ClinVar:

NM_001206979.2(NR1H4):c.80-7289C>A

Gene: NR1H4 (nuclear receptor subfamily 1 group H member 4; plus strand). Cytogenetic location: 12q23.1.
Variant type: single nucleotide variant.
Coding change: c.80-7289C>A on transcript NM_001206979.2 (MANE Select); 7289 bases into the intron before coding-DNA position 80, C replaced by A.
Molecular consequence: intron variant. On other transcripts: synonymous variant (2).
Genome position (GRCh38, 1-based): chr12:100,503,489, C>A. VCF-style: chr12-100503489-C-A. GRCh37 (hg19) VCF-style: chr12-100897267-C-A.
Other names: c.102C>A, p.Pro34= (NM_001206992.2, NM_001206993.2); c.80-7289C>A (NM_001206977.2, NM_005123.4, NM_001206978.2).
Identifiers: ClinVar variation 4978804 (VCV004978804.1).

ClinVar aggregate classification (germline): Likely benign (1 of 4 stars; one submission).

Conditions:
NR1H4-related disorder. Also called: NR1H4-related condition.

gnomAD v4.1: 30 of 1,594,608 alleles (0.0019%); highest among the groups gnomAD compares: Non-Finnish European, 0.0022%; no homozygotes.

Submission:

PreventionGenetics, part of Exact Sciences
Classification: Likely benign for NR1H4-related condition. Last evaluated: 2025-10-15. Review status: criteria provided, single submitter. Criteria: ACMG Guidelines, 2015. Collection method: clinical testing. Allele origin: germline.
Comment: This variant is classified as likely benign based on ACMG/AMP sequence variant interpretation guidelines (Richards et al. 2015 PMID: 25741868, with internal and published modifications).